The following is an entry in ClinVar:

ClinVar aggregate classification (germline): Uncertain significance (1 of 4 stars; one submission).

Conditions:
X-linked agammaglobulinemia (XLA). Also called: Agammaglobulinemia, Bruton tyrosine kinase; Agammaglobulinemia, BTK; BTK-deficiency; Bruton's agammaglobulinemia; IMMUNODEFICIENCY 1; Bruton-type agammaglobulinemia. Identifiers: Orphanet 229717, Orphanet 47, MedGen C0221026, MONDO:0010421, OMIM 300755.

Submission:

Women's Health and Genetics/Laboratory Corporation of America, LabCorp
Classification: Uncertain significance for X-linked Agammaglobulinemia. Last evaluated: 2011-08-18. Review status: criteria provided, single submitter. Criteria: LabCorp Variant Classification Summary - May 2015. Collection method: curation, clinical testing. Allele origin: germline. Inheritance: Xlinked unknown. Affected: yes.
ClinVar note: Converted during submission from uncertain to Uncertain significance.

NM_000061.3(BTK):c.777-3C>G

Gene: BTK (Bruton tyrosine kinase; minus strand). Cytogenetic location: Xq22.1.
Variant type: single nucleotide variant.
Coding change: c.777-3C>G on transcript NM_000061.3 (MANE Select); 3 bases into the intron before coding-DNA position 777, C replaced by G.
Molecular consequence: intron variant.
Genome position (GRCh38, 1-based): chrX:101,360,153, G>C on the plus strand (C>G on the coding strand, the complement: BTK is on the minus strand). VCF-style: chrX-101360153-G-C. GRCh37 (hg19) VCF-style: chrX-100615141-G-C.
Other names: c.879-3C>G (NM_001287344.2); c.777-3C>G (NM_001287345.2).
Identifiers: ClinVar variation 35763 (VCV000035763.3), dbSNP rs193922130, ClinGen allele CA260196.